The following is an entry in ClinVar:

NM_004104.5(FASN):c.5630C>G (p.Ser1877Cys)

Gene: FASN (fatty acid synthase; minus strand). Cytogenetic location: 17q25.3.
Variant type: single nucleotide variant.
Coding change: c.5630C>G on transcript NM_004104.5 (MANE Select); coding-DNA position 5630, C replaced by G.
Protein change: p.Ser1877Cys; replaces serine 1877 with cysteine.
Molecular consequence: missense variant.
Genome position (GRCh38, 1-based): chr17:82,083,051, G>C on the plus strand (C>G on the coding strand, the complement: FASN is on the minus strand). VCF-style: chr17-82083051-G-C. GRCh37 (hg19) VCF-style: chr17-80040927-G-C.
Other names: short protein forms S1877C.
Identifiers: ClinVar variation 4692563 (VCV004692563.1).

ClinVar aggregate classification (germline): Uncertain significance (1 of 4 stars; one submission).

Conditions:
Epileptic encephalopathy. Identifiers: MedGen C0543888, HP:0200134.

Submission:

Labcorp Genetics (formerly Invitae), Labcorp
Classification: Uncertain significance for Epileptic encephalopathy. Last evaluated: 2025-09-11. Review status: criteria provided, single submitter. Criteria: Invitae Variant Classification Sherloc (09022015). Collection method: clinical testing. Allele origin: germline.
Comment: This sequence change replaces serine, which is neutral and polar, with cysteine, which is neutral and slightly polar, at codon 1877 of the FASN protein (p.Ser1877Cys). This variant is present in population databases (rs144719965, gnomAD 0.0009%). This variant has not been reported in the literature in individuals affected with FASN-related conditions. An algorithm developed to predict the effect of missense changes on protein structure and function outputs the following: PolyPhen-2: "Benign". The cysteine amino acid residue is found in multiple mammalian species, which suggests that this missense change does not adversely affect protein function. In summary, the available evidence is currently insufficient to determine the role of this variant in disease. Therefore, it has been classified as a Variant of Uncertain Significance.